The following is an entry in ClinVar:

NM_006922.4(SCN3A):c.3614A>G (p.His1205Arg)

Gene: SCN3A (sodium voltage-gated channel alpha subunit 3; minus strand). Cytogenetic location: 2q24.3.
Variant type: single nucleotide variant.
Coding change: c.3614A>G on transcript NM_006922.4 (MANE Select); coding-DNA position 3614, A replaced by G.
Protein change: p.His1205Arg; replaces histidine 1205 with arginine.
Molecular consequence: missense variant.
Genome position (GRCh38, 1-based): chr2:165,113,871, T>C on the plus strand (A>G on the coding strand, the complement: SCN3A is on the minus strand). VCF-style: chr2-165113871-T-C. GRCh37 (hg19) VCF-style: chr2-165970381-T-C.
Other names: c.3467A>G, p.His1156Arg (NM_001081676.2, NM_001081677.2); short protein forms H1156R, H1205R.
Identifiers: ClinVar variation 3900376 (VCV003900376.1).

ClinVar aggregate classification (germline): Uncertain significance (1 of 4 stars; one submission).

gnomAD v4.1: 1 of 1,614,036 alleles (0.000062%); highest among the groups gnomAD compares: Non-Finnish European, 0.000085%; no homozygotes.

Submission:

GeneDx
Classification: Uncertain significance. Last evaluated: 2024-11-20. Review status: criteria provided, single submitter. Criteria: GeneDx Variant Classification Process June 2021. Collection method: clinical testing. Allele origin: germline. Affected: yes.
Comment: Not observed at significant frequency in large population cohorts (gnomAD); In silico analysis supports that this missense variant has a deleterious effect on protein structure/function; Has not been previously published as pathogenic or benign to our knowledge